The following is an entry in ClinVar:

ClinVar aggregate classification (germline): Uncertain significance (1 of 4 stars; one submission).

Conditions:
X-linked recessive nephrolithiasis with renal failure (XRN). Also called: NEPHROLITHIASIS 1; NEPHROLITHIASIS, X-LINKED RECESSIVE, TYPE 1; UROLITHIASIS, X-LINKED RECESSIVE, TYPE 1. Identifiers: Orphanet 1652, Orphanet 93622, MedGen C0403720, MONDO:0010687, OMIM 310468.

Submission:

Centre for Mendelian Genomics, University Medical Centre Ljubljana
Classification: Uncertain significance for X-linked recessive nephrolithiasis with renal failure. Last evaluated: 2018-10-15. Review status: criteria provided, single submitter. Criteria: ACMG Guidelines, 2015. Collection method: clinical testing. Allele origin: unknown. Affected: yes.
Comment: This variant was classified as: Uncertain significance. The available evidence on this variant's pathogenicity is insufficient or conflicting. The following ACMG criteria were applied in classifying this variant: PM2.

NM_001127898.4(CLCN5):c.2197A>G (p.Thr733Ala)

Genes: CLCN5 (chloride voltage-gated channel 5; plus strand), LOC126863258 (BRD4-independent group 4 enhancer GRCh37_chrX:49854497-49855696; plus strand). Cytogenetic location: Xp11.23.
Variant type: single nucleotide variant.
Coding change: c.2197A>G on transcript NM_001127898.4 (MANE Select); coding-DNA position 2197, A replaced by G.
Protein change: p.Thr733Ala; replaces threonine 733 with alanine.
Molecular consequence: missense variant.
Genome position (GRCh38, 1-based): chrX:50,090,723, A>G. VCF-style: chrX-50090723-A-G. GRCh37 (hg19) VCF-style: chrX-49855380-A-G.
Other names: c.1987A>G, p.Thr663Ala (NM_000084.5); c.2197A>G, p.Thr733Ala (NM_001127899.4); c.2047A>G, p.Thr683Ala (NM_001282163.2); short protein forms T683A, T733A, T663A.
Identifiers: ClinVar variation 930899 (VCV000930899.3), dbSNP rs1934065991, ClinGen allele CA413190739.